The following is an entry in ClinVar:

NM_004006.3(DMD):c.5739+1G>T

Gene: DMD (dystrophin; minus strand). Cytogenetic location: Xp21.1.
Variant type: single nucleotide variant.
Coding change: c.5739+1G>T on transcript NM_004006.3 (MANE Select); the canonical splice donor site of the intron after coding-DNA position 5739, G replaced by T.
Molecular consequence: splice donor variant.
Genome position (GRCh38, 1-based): chrX:32,343,133, C>A on the plus strand (G>T on the coding strand, the complement: DMD is on the minus strand). VCF-style: chrX-32343133-C-A. GRCh37 (hg19) VCF-style: chrX-32361250-C-A.
Other names: c.5715+1G>T (NM_000109.4); c.1716+1G>T (NM_004011.4); c.1707+1G>T (NM_004012.4); c.5727+1G>T (NM_004009.3); c.5370+1G>T (NM_004010.3); c.5739+1G>T (NM_004006.2).
Identifiers: ClinVar variation 285195 (VCV000285195.17), dbSNP rs886043041, ClinGen allele CA10605032.

ClinVar aggregate classification (germline): Pathogenic/Likely pathogenic. Review status: criteria provided, multiple submitters, no conflicts (2 of 4 stars). 4 submissions from 4 submitters: Pathogenic (1); Likely pathogenic (1). 2 of the submissions do not count toward it. Last evaluated 2022-10-04.

Conditions:
Cardiomyopathy (CMYO). Also called: Cardiomyopathies. Identifiers: Orphanet 167848, MedGen C0878544, MONDO:0004994, HP:0001638. Inheritance: Various modes of inheritance.
Becker muscular dystrophy (BMD). Also called: MUSCULAR DYSTROPHY, PSEUDOHYPERTROPHIC PROGRESSIVE, BECKER TYPE; Becker Muscular Dystrophy (BMD). Identifiers: Orphanet 98895, MedGen C0917713, MONDO:0010311, OMIM 300376.
Duchenne muscular dystrophy (DMD). Also called: Duchenne Muscular Dystrophy (DMD); MUSCULAR DYSTROPHY, PSEUDOHYPERTROPHIC PROGRESSIVE, DUCHENNE TYPE. Identifiers: Orphanet 98896, MedGen C0013264, MONDO:0010679, OMIM 310200.
Dystrophin deficiency.

Allele frequency attached by ClinVar (database versions not stated): TOPMed below 0.00001; gnomAD 0.00001.
gnomAD v4.1: 1 of 1,206,705 alleles (0.000083%); highest among the groups gnomAD compares: African/African-American, 0.0018%; no homozygotes.

Submissions (4):

Labcorp Genetics (formerly Invitae), Labcorp
Classification: Likely pathogenic for Duchenne muscular dystrophy. Last evaluated: 2022-10-04. Review status: criteria provided, single submitter. Criteria: Invitae Variant Classification Sherloc (09022015). Collection method: clinical testing. Allele origin: germline.
Comment: In summary, the currently available evidence indicates that the variant is pathogenic, but additional data are needed to prove that conclusively. Therefore, this variant has been classified as Likely Pathogenic. Algorithms developed to predict the effect of sequence changes on RNA splicing suggest that this variant may disrupt the consensus splice site. ClinVar contains an entry for this variant (Variation ID: 285195). This variant has not been reported in the literature in individuals affected with DMD-related conditions. This variant is present in population databases (no rsID available, gnomAD 0.02%). This sequence change affects a donor splice site in intron 40 of the DMD gene. It is expected to disrupt RNA splicing. Variants that disrupt the donor or acceptor splice site typically lead to a loss of protein function (PMID: 16199547), and loss-of-function variants in DMD are known to be pathogenic (PMID: 16770791, 25007885).

Eurofins Ntd Llc (ga)
Classification: Pathogenic. Last evaluated: 2017-01-18. Review status: criteria provided, single submitter. Criteria: EGL Classification Definitions 2015. Collection method: clinical testing. Allele origin: germline. Observed: 2 variant alleles, 2 heterozygotes.

Natera, Inc.
Classification: Likely pathogenic for Becker muscular dystrophy; Cardiomyopathy; Duchenne muscular dystrophy; Dystrophin deficiency. Last evaluated: 2019-02-27. Review status: no assertion criteria provided. Collection method: clinical testing. Allele origin: germline. Not counted in ClinVar's aggregate classification.

Baylor Genetics
Classification: Likely pathogenic for Duchenne muscular dystrophy. Review status: no assertion criteria provided. Collection method: clinical testing. Allele origin: unknown. Not counted in ClinVar's aggregate classification.

Literature cited by the submitters: PubMed 16199547 (cited by Labcorp Genetics (formerly Invitae), Labcorp); PubMed 16770791 (cited by Labcorp Genetics (formerly Invitae), Labcorp); PubMed 25007885 (cited by Labcorp Genetics (formerly Invitae), Labcorp).